The following is an entry in ClinVar:

NM_001164508.2(NEB):c.7152C>A (p.Tyr2384Ter)

Gene: NEB (nebulin; minus strand). Cytogenetic location: 2q23.3.
Variant type: single nucleotide variant.
Coding change: c.7152C>A on transcript NM_001164508.2 (MANE Select); coding-DNA position 7152, C replaced by A.
Protein change: p.Tyr2384Ter; replaces tyrosine 2384 with a stop codon.
Molecular consequence: nonsense.
Genome position (GRCh38, 1-based): chr2:151,650,649, G>T on the plus strand (C>A on the coding strand, the complement: NEB is on the minus strand). VCF-style: chr2-151650649-G-T. GRCh37 (hg19) VCF-style: chr2-152507163-G-T.
Other names: c.7152C>A, p.Tyr2384Ter (NM_001164507.2, NM_001271208.2, NM_004543.5); short protein forms Y2384*.
Identifiers: ClinVar variation 1452684 (VCV001452684.6), dbSNP rs2099020340, ClinGen allele CA348789613.

ClinVar aggregate classification (germline): Pathogenic (1 of 4 stars; one submission).

Conditions:
Nemaline myopathy 2 (NEM2). Also called: Nemaline myopathy 2, autosomal recessive. Identifiers: MedGen C1850569, MONDO:0009725, OMIM 256030.

Submission:

Labcorp Genetics (formerly Invitae), Labcorp
Classification: Pathogenic for Nemaline myopathy 2. Last evaluated: 2023-11-28. Review status: criteria provided, single submitter. Criteria: Invitae Variant Classification Sherloc (09022015). Collection method: clinical testing. Allele origin: germline.
Comment: This sequence change creates a premature translational stop signal (p.Tyr2384*) in the NEB gene. It is expected to result in an absent or disrupted protein product. Loss-of-function variants in NEB are known to be pathogenic (PMID: 25205138). This variant is not present in population databases (gnomAD no frequency). This variant has not been reported in the literature in individuals affected with NEB-related conditions. ClinVar contains an entry for this variant (Variation ID: 1452684). For these reasons, this variant has been classified as Pathogenic.

Literature cited by the submitters: PubMed 25205138.